The following is an entry in ClinVar:

ClinVar aggregate classification (germline): Uncertain significance (1 of 4 stars; one submission).

Allele frequency attached by ClinVar (database versions not stated): TOPMed 0.00015; 1000 Genomes Project 30x 0.00016; gnomAD 0.00016; 1000 Genomes Project 0.00020; ExAC 0.00022; ESP Exome Variant Server 0.00025; gnomAD exomes 0.00029.
gnomAD v4.1: 431 of 1,613,814 alleles (0.027%); highest among the groups gnomAD compares: South Asian, 0.041%; no homozygotes.

Submission:

Labcorp Genetics (formerly Invitae), Labcorp
Classification: Uncertain significance. Last evaluated: 2025-04-13. Review status: criteria provided, single submitter. Criteria: Invitae Variant Classification Sherloc (09022015). Collection method: clinical testing. Allele origin: germline.
Comment: This sequence change replaces aspartic acid, which is acidic and polar, with asparagine, which is neutral and polar, at codon 278 of the SUCLG2 protein (p.Asp278Asn). This variant is present in population databases (rs200619917, gnomAD 0.04%). This variant has not been reported in the literature in individuals affected with SUCLG2-related conditions. ClinVar contains an entry for this variant (Variation ID: 2082694). An algorithm developed to predict the effect of missense changes on protein structure and function (PolyPhen-2) suggests that this variant is likely to be tolerated. In summary, the available evidence is currently insufficient to determine the role of this variant in disease. Therefore, it has been classified as a Variant of Uncertain Significance.

NM_003848.4(SUCLG2):c.832G>A (p.Asp278Asn)

Gene: SUCLG2 (succinate-CoA ligase GDP-forming subunit beta; minus strand). Cytogenetic location: 3p14.1.
Variant type: single nucleotide variant.
Coding change: c.832G>A on transcript NM_003848.4 (MANE Select); coding-DNA position 832, G replaced by A.
Protein change: p.Asp278Asn; replaces aspartic acid 278 with asparagine.
Molecular consequence: missense variant.
Genome position (GRCh38, 1-based): chr3:67,498,221, C>T on the plus strand (G>A on the coding strand, the complement: SUCLG2 is on the minus strand). VCF-style: chr3-67498221-C-T. GRCh37 (hg19) VCF-style: chr3-67548645-C-T.
Other names: c.832G>A, p.Asp278Asn (NM_001177599.2); short protein forms D278N.
Identifiers: ClinVar variation 2082694 (VCV002082694.4), dbSNP rs200619917, ClinGen allele CA2485879.
Genomic context (GRCh38, chr3:67,498,221, plus strand): 5'-CTATGTATTTTAGATCATATTTGGCAGCTTCATTTTCAATGGGCTCATTCTCTGATTTGT[C>T]GTCCATAGCAAATATGTCTTTTTGTCGGAATTCTGCGTTGTCATCAAAGTTTATCTTGGC-3'
Protein context (NP_003839.2, residues 268-288): FRQKDIFAMD[Asp278Asn]KSENEPIENE